The following is an entry in ClinVar:

ClinVar aggregate classification (germline): Uncertain significance (1 of 4 stars; one submission).

gnomAD v4.1: 6 of 1,613,910 alleles (0.00037%); highest among the groups gnomAD compares: South Asian, 0.0055%; no homozygotes.

Submission:

Women's Health and Genetics/Laboratory Corporation of America, LabCorp
Classification: Uncertain significance. Last evaluated: 2022-07-12. Review status: criteria provided, single submitter. Criteria: LabCorp Variant Classification Summary - May 2015. Collection method: clinical testing. Allele origin: germline.
Comment: Variant summary: HBB c.315G>A (p.Arg105Arg) alters a conserved nucleotide located close to a canonical splice site and therefore could affect mRNA splicing, leading to a significantly altered protein sequence. 4/4 computational tools predict no significant impact on normal splicing. However, these predictions have yet to be confirmed by functional studies. The variant allele was found at a frequency of 8e-06 in 251348 control chromosomes. The available data on variant occurrences in the general population are insufficient to allow any conclusion about variant significance. To our knowledge, no occurrence of c.315G>A in individuals affected with Hemoglobinopathy and no experimental evidence demonstrating its impact on protein function have been reported. No clinical diagnostic laboratories have submitted clinical-significance assessments for this variant to ClinVar after 2014. Based on the evidence outlined above, the variant was classified as uncertain significance.

NM_000518.5(HBB):c.315G>A (p.Arg105=)

Genes: HBB (hemoglobin subunit beta; minus strand), LOC106099062 (HBB recombination region; plus strand), LOC107133510 (origin of replication at HBB; plus strand), LOC110006319 (beta-globin gene 3' regulatory region; plus strand). Cytogenetic location: 11p15.4.
Variant type: single nucleotide variant.
Coding change: c.315G>A on transcript NM_000518.5 (MANE Select); coding-DNA position 315, G replaced by A.
Protein change: p.Arg105=; no amino-acid change (arginine 105 retained).
Molecular consequence: synonymous variant.
Genome position (GRCh38, 1-based): chr11:5,226,577, C>T on the plus strand (G>A on the coding strand, the complement: HBB is on the minus strand). VCF-style: chr11-5226577-C-T. GRCh37 (hg19) VCF-style: chr11-5247807-C-T.
Identifiers: ClinVar variation 1704504 (VCV001704504.1), dbSNP rs33914944, ClinGen allele CA472885659.
Genomic context (GRCh38, chr11:5,226,577, plus strand): 5'-ACATGAACTTAACCATAGAAAAGAAGGGGAAAGAAAACATCAAGCGTCCCATAGACTCAC[C>T]CTGAAGTTCTCAGGATCCACGTGCAGCTTGTCACAGTGCAGCTCACTCAGTGTGGCAAAG-3'
Protein context (NP_000509.1, residues 95-115): DKLHVDPENF[Arg105=]LLGNVLVCVL